The following is an entry in ClinVar:

ClinVar aggregate classification (germline): Benign. Review status: criteria provided, multiple submitters, no conflicts (2 of 4 stars). 9 submissions from 9 submitters: Benign (8). 1 of the submissions does not count toward it. Last evaluated 2026-02-04.

Conditions:
Inborn genetic diseases. Identifiers: MedGen C0950123, MeSH D030342.
Intellectual developmental disorder, autosomal recessive 13. Also called: Intellectual disability, autosomal recessive 13. Identifiers: Orphanet 88616, MedGen C2750791, MONDO:0013173, OMIM 613192.

Allele frequency attached by ClinVar (database versions not stated): ESP Exome Variant Server 0.19422; gnomAD exomes 0.21291 and 0.27618; gnomAD 0.22639 and 0.23649; TOPMed 0.23832; ExAC 0.26760; 1000 Genomes Project 30x 0.35228; 1000 Genomes Project 0.35583.
gnomAD v4.1: 348,190 of 1,613,968 alleles (22%); highest among the groups gnomAD compares: East Asian, 60%; 44,741 homozygotes.

Submissions (9):

Labcorp Genetics (formerly Invitae), Labcorp
Classification: Benign. Last evaluated: 2026-02-04. Review status: criteria provided, single submitter. Criteria: Invitae Variant Classification Sherloc (09022015). Collection method: clinical testing. Allele origin: germline.

Blueprint Genetics
Classification: Benign. Last evaluated: 2024-11-27. Review status: criteria provided, single submitter. Criteria: ACMG Guidelines, 2015. Collection method: clinical testing. Allele origin: germline.

Mayo Clinic Laboratories, Mayo Clinic
Classification: Benign. Last evaluated: 2022-04-14. Review status: criteria provided, single submitter. Criteria: ACMG Guidelines, 2015. Collection method: clinical testing. Allele origin: germline. Observed: 19 variant alleles.

Genome-Nilou Lab
Classification: Benign for Intellectual developmental disorder, autosomal recessive 13. Last evaluated: 2021-09-10. Review status: criteria provided, single submitter. Criteria: ACMG Guidelines, 2015. Collection method: clinical testing. Allele origin: germline. Affected: no.

GeneDx
Classification: Benign. Last evaluated: 2018-07-09. Review status: criteria provided, single submitter. Criteria: GeneDx Variant Classification Process June 2021. Collection method: clinical testing. Allele origin: germline. Affected: yes.

Ambry Genetics
Classification: Benign for Inborn genetic diseases. Last evaluated: 2016-03-13. Review status: criteria provided, single submitter. Criteria: Ambry Variant Classification Scheme 2023. Collection method: clinical testing. Allele origin: germline.

Breakthrough Genomics
Classification: Benign. Review status: criteria provided, single submitter. Criteria: ACMG Guidelines, 2015. Collection method: not provided. Allele origin: germline. Inheritance: Autosomal recessive inheritance. Affected: yes.

PreventionGenetics, part of Exact Sciences
Classification: Benign. Review status: criteria provided, single submitter. Criteria: ACMG Guidelines, 2015. Collection method: clinical testing. Allele origin: germline.

Genetic Services Laboratory, University of Chicago
Classification: Likely benign for AllHighlyPenetrant. Review status: no assertion criteria provided. Collection method: clinical testing. Allele origin: germline. Inheritance: Autosomal recessive inheritance. Not counted in ClinVar's aggregate classification.
Comment: Likely benign based on allele frequency in 1000 Genomes Project or ESP global frequency and its presence in a patient with a rare or unrelated disease phenotype. NOT Sanger confirmed.

NM_001160372.4(TRAPPC9):c.1692C>T (p.Asn564=)

Gene: TRAPPC9 (trafficking protein particle complex subunit 9; minus strand). Cytogenetic location: 8q24.3.
Variant type: single nucleotide variant.
Coding change: c.1692C>T on transcript NM_001160372.4 (MANE Select); coding-DNA position 1692, C replaced by T.
Protein change: p.Asn564=; no amino-acid change (asparagine 564 retained).
Molecular consequence: synonymous variant. On other transcripts: non-coding transcript variant (1).
Genome position (GRCh38, 1-based): chr8:140,300,545, G>A on the plus strand (C>T on the coding strand, the complement: TRAPPC9 is on the minus strand). VCF-style: chr8-140300545-G-A. GRCh37 (hg19) VCF-style: chr8-141310644-G-A.
Other names: p.Asn662=; c.1665C>T, p.Asn555= (NM_001321646.2); c.1713C>T, p.Asn571= (NM_001374682.1); c.1692C>T, p.Asn564= (NM_001374683.1, NM_031466.8); c.1986C>T (NM_031466.7); c.1548C>T, p.Asn516= (NM_001374684.1).
Identifiers: ClinVar variation 130622 (VCV000130622.32), dbSNP rs12549048, ClinGen allele CA155764.
Genomic context (GRCh38, chr8:140,300,545, plus strand): 5'-CTCTTCTCCACGGTTGTGTGCGATAATTGGTGAATAGATGAAAGGACTTTTGGTTGACAC[G>A]TTCTGACCCAGCAAGCTTTTCATTTTGTGTGGCCGGAGGCTAGCAGGAAGGTTCAATAGT-3'
Protein context (NP_001153844.1, residues 554-574): PHKMKSLLGQ[Asn564=]VSTKSPFIYS